The following is an entry in ClinVar:

NM_206933.4(USH2A):c.3812-8T>G

Genes: USH2A (usherin; minus strand), USH2A-AS1 (USH2A antisense RNA 1; plus strand). Cytogenetic location: 1q41.
Variant type: single nucleotide variant.
Coding change: c.3812-8T>G on transcript NM_206933.4 (MANE Select); 8 bases into the intron before coding-DNA position 3812, T replaced by G.
Molecular consequence: intron variant.
Genome position (GRCh38, 1-based): chr1:216,198,592, A>C on the plus strand (T>G on the coding strand, the complement: USH2A is on the minus strand). VCF-style: chr1-216198592-A-C. GRCh37 (hg19) VCF-style: chr1-216371934-A-C.
Other names: p.?; c.3812-8T>G (NM_007123.6).
Identifiers: ClinVar variation 48508 (VCV000048508.26), dbSNP rs646094, ClinGen allele CA143471.

ClinVar aggregate classification (germline): Benign. Review status: criteria provided, multiple submitters, no conflicts (2 of 4 stars). 12 submissions from 11 submitters: Benign (11). 1 of the submissions does not count toward it. Last evaluated 2026-02-04.

Conditions:
Retinitis pigmentosa (RP). Identifiers: Orphanet 791, MedGen C0035334, MeSH D012174, MONDO:0019200, OMIM 268000. Inheritance: Autosomal dominant, autosomal recessive and X linked inheritance.
Usher syndrome type 2A. Also called: USHER SYNDROME, TYPE IIA; RETINAL DISEASE IN USHER SYNDROME TYPE IIA, MODIFIER OF. Identifiers: Orphanet 231178, Orphanet 886, MedGen C1848634, MONDO:0010169, OMIM 276901.

Allele frequency attached by ClinVar (database versions not stated): ESP Exome Variant Server 0.20917; gnomAD exomes 0.21330 and 0.22681; ExAC 0.22172; gnomAD 0.20360 and 0.20485; TOPMed 0.20423; 1000 Genomes Project 30x 0.19472; 1000 Genomes Project 0.19768.
gnomAD v4.1: 360,899 of 1,608,604 alleles (22%); highest among the groups gnomAD compares: Non-Finnish European, 23%; 41,222 homozygotes.

Submissions (12):

Labcorp Genetics (formerly Invitae), Labcorp
Classification: Benign. Last evaluated: 2026-02-04. Review status: criteria provided, single submitter. Criteria: Invitae Variant Classification Sherloc (09022015). Collection method: clinical testing. Allele origin: germline.

Blueprint Genetics
Classification: Benign. Last evaluated: 2024-11-26. Review status: criteria provided, single submitter. Criteria: ACMG Guidelines, 2015. Collection method: clinical testing. Allele origin: germline.

Women's Health and Genetics/Laboratory Corporation of America, LabCorp
Classification: Benign. Last evaluated: 2023-04-10. Review status: criteria provided, single submitter. Criteria: LabCorp Variant Classification Summary - May 2015. Collection method: clinical testing. Allele origin: germline.

Mayo Clinic Laboratories, Mayo Clinic
Classification: Benign. Last evaluated: 2022-04-22. Review status: criteria provided, single submitter. Criteria: ACMG Guidelines, 2015. Collection method: clinical testing. Allele origin: germline. Observed: 56 variant alleles.

Genome-Nilou Lab
Classification: Benign for Usher syndrome type 2A. Last evaluated: 2021-07-01. Review status: criteria provided, single submitter. Criteria: ACMG Guidelines, 2015. Collection method: clinical testing. Allele origin: germline. Affected: no.

Illumina Laboratory Services, Illumina
Classification: Benign for Retinitis pigmentosa. Last evaluated: 2018-01-13. Review status: criteria provided, single submitter. Criteria: ICSL Variant Classification Criteria 13 December 2019. Collection method: clinical testing. Allele origin: germline.
Comment: This variant was observed in the ICSL laboratory as part of a predisposition screen in an ostensibly healthy population. It had not been previously curated by ICSL or reported in the Human Gene Mutation Database (HGMD: prior to June 1st, 2018), and was therefore a candidate for classification through an automated scoring system. Utilizing variant allele frequency, disease prevalence and penetrance estimates, and inheritance mode, an automated score was calculated to assess if this variant is too frequent to cause the disease. Based on the score and internal cut-off values, a variant classified as benign is not then subjected to further curation. The score for this variant resulted in a classification of benign for this disease.

Illumina Laboratory Services, Illumina
Classification: Benign for Usher syndrome type 2A. Last evaluated: 2018-01-13. Review status: criteria provided, single submitter. Criteria: ICSL Variant Classification Criteria 13 December 2019. Collection method: clinical testing. Allele origin: germline.
Comment: the same text as in the submission from Illumina Laboratory Services, Illumina above.

GeneDx
Classification: Benign. Last evaluated: 2013-08-19. Review status: criteria provided, single submitter. Criteria: GeneDx Variant Classification (06012015). Collection method: clinical testing. Allele origin: germline. Affected: yes.
Comment: This variant is considered likely benign or benign based on one or more of the following criteria: it is a conservative change, it occurs at a poorly conserved position in the protein, it is predicted to be benign by multiple in silico algorithms, and/or has population frequency not consistent with disease.

Laboratory for Molecular Medicine, Mass General Brigham Personalized Medicine
Classification: Benign. Last evaluated: 2008-02-19. Review status: criteria provided, single submitter. Criteria: LMM Criteria. Collection method: clinical testing. Allele origin: germline. Observed: 816 variant alleles.

Breakthrough Genomics
Classification: Benign. Review status: criteria provided, single submitter. Criteria: ACMG Guidelines, 2015. Collection method: not provided. Allele origin: germline. Inheritance: Autosomal recessive inheritance. Affected: yes.

PreventionGenetics, part of Exact Sciences
Classification: Benign. Review status: criteria provided, single submitter. Criteria: ACMG Guidelines, 2015. Collection method: clinical testing. Allele origin: germline.

Natera, Inc.
Classification: Benign for Usher syndrome type 2A. Last evaluated: 2020-09-16. Review status: no assertion criteria provided. Collection method: clinical testing. Allele origin: germline. Not counted in ClinVar's aggregate classification.